The following is an entry in ClinVar:

ClinVar aggregate classification (germline): Uncertain significance. Review status: criteria provided, multiple submitters, no conflicts (2 of 4 stars). 2 submissions from 2 submitters: Uncertain significance (2). Last evaluated 2024-03-27.

Conditions:
Jeune thoracic dystrophy. Also called: Jeune syndrome; Infantile thoracic dystrophy; Thoracic pelvic phalangeal dystrophy; Jeune's syndrome; Chondroectodermal dysplasia-like syndrome; Short-rib thoracic dysplasia. Identifiers: Orphanet 474, MedGen C0265275, MONDO:0018770.
Asphyxiating thoracic dystrophy 2 (SRTD2). Also called: SHORT-RIB THORACIC DYSPLASIA 2 WITH OR WITHOUT POLYDACTYLY; SHORT-RIB THORACIC DYSPLASIA 2 WITH POLYDACTYLY; SHORT-RIB THORACIC DYSPLASIA 2 WITHOUT POLYDACTYLY. Identifiers: Orphanet 474, MedGen C1970005, MONDO:0012644, OMIM 611263.

Allele frequency attached by ClinVar (database versions not stated): gnomAD 0.00001; gnomAD exomes 0.00001; ExAC 0.00002; 1000 Genomes Project 0.00020; 1000 Genomes Project 30x 0.00031.
gnomAD v4.1: 2 of 1,613,020 alleles (0.00012%); highest among the groups gnomAD compares: East Asian, 0.0022%; no homozygotes.

Submissions (2):

Fulgent Genetics
Classification: Uncertain significance for Asphyxiating thoracic dystrophy 2. Last evaluated: 2024-03-27. Review status: criteria provided, single submitter. Criteria: ACMG Guidelines, 2015. Collection method: clinical testing. Allele origin: germline.

Labcorp Genetics (formerly Invitae), Labcorp
Classification: Uncertain significance for Jeune thoracic dystrophy. Last evaluated: 2022-03-04. Review status: criteria provided, single submitter. Criteria: Invitae Variant Classification Sherloc (09022015). Collection method: clinical testing. Allele origin: germline.
Comment: Algorithms developed to predict the effect of missense changes on protein structure and function (SIFT, PolyPhen-2, Align-GVGD) all suggest that this variant is likely to be tolerated. In summary, the available evidence is currently insufficient to determine the role of this variant in disease. Therefore, it has been classified as a Variant of Uncertain Significance. This variant has not been reported in the literature in individuals affected with IFT80-related conditions. This variant is present in population databases (rs535870220, gnomAD 0.01%). This sequence change replaces aspartic acid, which is acidic and polar, with asparagine, which is neutral and polar, at codon 543 of the IFT80 protein (p.Asp543Asn).

NM_020800.3(IFT80):c.1627G>A (p.Asp543Asn)

Genes: IFT80 (intraflagellar transport 80; minus strand), TRIM59-IFT80 (TRIM59-IFT80 readthrough (NMD candidate); minus strand). Cytogenetic location: 3q25.33.
Variant type: single nucleotide variant.
Coding change: c.1627G>A on transcript NM_020800.3 (MANE Select); coding-DNA position 1627, G replaced by A.
Protein change: p.Asp543Asn; replaces aspartic acid 543 with asparagine.
Molecular consequence: missense variant. On other transcripts: non-coding transcript variant (3).
Genome position (GRCh38, 1-based): chr3:160,280,704, C>T on the plus strand (G>A on the coding strand, the complement: IFT80 is on the minus strand). VCF-style: chr3-160280704-C-T. GRCh37 (hg19) VCF-style: chr3-159998492-C-T.
Other names: c.1216G>A, p.Asp406Asn (NM_001190241.2, NM_001190242.2); short protein forms D406N, D543N.
Identifiers: ClinVar variation 1365682 (VCV001365682.5), dbSNP rs535870220, ClinGen allele CA2685099.
Genomic context (GRCh38, chr3:160,280,704, plus strand): 5'-AATTATACGCAGTAAAATGTTACCTTGCATCCCTTTCATATAATGTTTTAGGCAAAATGT[C>T]TCTGTCCACATAAACTGTATTGGGGTAATACCACACTATAAATCGAGTATCTTGAAGTCC-3'
Protein context (NP_065851.1, residues 533-553): YYPNTVYVDR[Asp543Asn]ILPKTLYERD